The following is an entry in ClinVar:

ClinVar aggregate classification (germline): Uncertain significance (1 of 4 stars; one submission).

Conditions:
Hereditary sensory and autonomic neuropathy type 1 (HSAN1). Also called: HSAN 1; HSN Type I; Hereditary Sensory Neuropathy Type I. Identifiers: Orphanet 36386, MedGen C0020071, MONDO:0018213.

Submission:

Labcorp Genetics (formerly Invitae), Labcorp
Classification: Uncertain significance for Hereditary sensory and autonomic neuropathy type 1. Last evaluated: 2021-03-30. Review status: criteria provided, single submitter. Criteria: Invitae Variant Classification Sherloc (09022015). Collection method: clinical testing. Allele origin: germline.
Comment: In summary, the available evidence is currently insufficient to determine the role of this variant in disease. Therefore, it has been classified as a Variant of Uncertain Significance. Algorithms developed to predict the effect of missense changes on protein structure and function are either unavailable or do not agree on the potential impact of this missense change (SIFT: "Deleterious"; PolyPhen-2: "Probably Damaging"; Align-GVGD: "Class C0"). This variant has not been reported in the literature in individuals with SPTLC1-related conditions. This variant is not present in population databases (ExAC no frequency). This sequence change replaces leucine with serine at codon 148 of the SPTLC1 protein (p.Leu148Ser). The leucine residue is highly conserved and there is a large physicochemical difference between leucine and serine.

NM_006415.4(SPTLC1):c.443T>C (p.Leu148Ser)

Gene: SPTLC1 (serine palmitoyltransferase long chain base subunit 1; minus strand). Cytogenetic location: 9q22.31.
Variant type: single nucleotide variant.
Coding change: c.443T>C on transcript NM_006415.4 (MANE Select); coding-DNA position 443, T replaced by C.
Protein change: p.Leu148Ser; replaces leucine 148 with serine.
Molecular consequence: missense variant. On other transcripts: 5 prime UTR variant (1).
Genome position (GRCh38, 1-based): chr9:92,068,083, A>G on the plus strand (T>C on the coding strand, the complement: SPTLC1 is on the minus strand). VCF-style: chr9-92068083-A-G. GRCh37 (hg19) VCF-style: chr9-94830365-A-G.
Other names: c.443T>C, p.Leu148Ser (NM_001281303.2); c.77T>C, p.Leu26Ser (NM_001368272.1); c.-23T>C (NM_001368273.1); short protein forms L148S, L26S.
Identifiers: ClinVar variation 1035182 (VCV001035182.8), dbSNP rs1834357241, ClinGen allele CA373798989.